The following is an entry in ClinVar:

NM_021116.4(ADCY1):c.433C>T (p.Pro145Ser)

Gene: ADCY1 (adenylate cyclase 1; plus strand). Cytogenetic location: 7p12.3.
Variant type: single nucleotide variant.
Coding change: c.433C>T on transcript NM_021116.4 (MANE Select); coding-DNA position 433, C replaced by T.
Protein change: p.Pro145Ser; replaces proline 145 with serine.
Molecular consequence: missense variant. On other transcripts: 5 prime UTR variant (1).
Genome position (GRCh38, 1-based): chr7:45,574,976, C>T. VCF-style: chr7-45574976-C-T. GRCh37 (hg19) VCF-style: chr7-45614575-C-T.
Other names: c.-243C>T (NM_001281768.2); short protein forms P145S.
Identifiers: ClinVar variation 3614818 (VCV003614818.2).
Genomic context (GRCh38, chr7:45,574,976, plus strand): 5'-CTGGCGCTGCTCTTCAGCCTCACCTTCGCGCTGCTCTGCTGTCCTTTCGCGCTGGGCGGC[C>T]CCGCCCGGGGTTCCGCCGGGGCCGCTGGGGGGCCAGCGACCGCCGAACAAGGGGTTTGGC-3'
Protein context (NP_066939.1, residues 135-155): LLCCPFALGG[Pro145Ser]ARGSAGAAGG

ClinVar aggregate classification (germline): Uncertain significance (1 of 4 stars; one submission).

Submission:

Labcorp Genetics (formerly Invitae), Labcorp
Classification: Uncertain significance. Last evaluated: 2025-03-18. Review status: criteria provided, single submitter. Criteria: Invitae Variant Classification Sherloc (09022015). Collection method: clinical testing. Allele origin: germline.
Comment: This sequence change replaces proline, which is neutral and non-polar, with serine, which is neutral and polar, at codon 145 of the ADCY1 protein (p.Pro145Ser). This variant is not present in population databases (gnomAD no frequency). This variant has not been reported in the literature in individuals affected with ADCY1-related conditions. An algorithm developed to predict the effect of missense changes on protein structure and function (PolyPhen-2) suggests that this variant is likely to be tolerated. In summary, the available evidence is currently insufficient to determine the role of this variant in disease. Therefore, it has been classified as a Variant of Uncertain Significance.